The following is an entry in ClinVar:

ClinVar aggregate classification (germline): Pathogenic (1 of 4 stars; one submission).

gnomAD v4.1: 2 of 1,528,722 alleles (0.00013%); highest among the groups gnomAD compares: Non-Finnish European, 0.000088%; no homozygotes.

Submission:

Labcorp Genetics (formerly Invitae), Labcorp
Classification: Pathogenic. Last evaluated: 2023-09-27. Review status: criteria provided, single submitter. Criteria: Invitae Variant Classification Sherloc (09022015). Collection method: clinical testing. Allele origin: germline.
Comment: This sequence change affects an acceptor splice site in intron 4 of the DNAAF4 gene. It is expected to disrupt RNA splicing. Variants that disrupt the donor or acceptor splice site typically lead to a loss of protein function (PMID: 16199547), and loss-of-function variants in DNAAF4 are known to be pathogenic (PMID: 23872636). This variant is present in population databases (no rsID available, gnomAD 0.001%). This variant has not been reported in the literature in individuals affected with DNAAF4-related conditions. Algorithms developed to predict the effect of sequence changes on RNA splicing suggest that this variant may disrupt the consensus splice site. In summary, the currently available evidence indicates that the variant is pathogenic, but additional data are needed to prove that conclusively. Therefore, this variant has been classified as Likely Pathogenic.

Literature cited by the submitters: PubMed 16199547; PubMed 23872636.

NM_130810.4(DNAAF4):c.406-1G>A

Genes: DNAAF4 (dynein axonemal assembly factor 4; minus strand), DNAAF4-CCPG1 (DNAAF4-CCPG1 readthrough (NMD candidate); minus strand). Cytogenetic location: 15q21.3.
Variant type: single nucleotide variant.
Coding change: c.406-1G>A on transcript NM_130810.4 (MANE Select); the canonical splice acceptor site of the intron before coding-DNA position 406, G replaced by A.
Molecular consequence: splice acceptor variant.
Genome position (GRCh38, 1-based): chr15:55,467,162, C>T on the plus strand (G>A on the coding strand, the complement: DNAAF4 is on the minus strand). VCF-style: chr15-55467162-C-T. GRCh37 (hg19) VCF-style: chr15-55759360-C-T.
Other names: c.406-1G>A (NM_001033560.2, NM_001033559.3).
Identifiers: ClinVar variation 2763909 (VCV002763909.3), dbSNP rs1322566644, ClinGen allele CA392554128.
Genomic context (GRCh38, chr15:55,467,162, plus strand): 5'-GGCTTTTATCCGTTCATTTTCTTTCATATCTTCTATTTTTTTCCTCTCTTCTTCTTCAAT[C>T]TATAACAATTGCAATTACCAAATTCTTTAAAATACATAAAAGCAACATTTATTTAAATGA-3'